The following is an entry in ClinVar:

ClinVar aggregate classification (germline): Uncertain significance (1 of 4 stars; one submission).

Submission:

GeneDx
Classification: Uncertain significance. Last evaluated: 2024-12-26. Review status: criteria provided, single submitter. Criteria: GeneDx Variant Classification Process June 2021. Collection method: clinical testing. Allele origin: germline. Affected: yes.
Comment: Not observed at significant frequency in large population cohorts (gnomAD); In silico analysis supports that this missense variant has a deleterious effect on protein structure/function; Has not been previously published as pathogenic or benign to our knowledge

NM_001321571.2(CAMK2D):c.709G>A (p.Glu237Lys)

Gene: CAMK2D (calcium/calmodulin dependent protein kinase II delta; minus strand). Cytogenetic location: 4q26.
Variant type: single nucleotide variant.
Coding change: c.709G>A on transcript NM_001321571.2 (MANE Select); coding-DNA position 709, G replaced by A.
Protein change: p.Glu237Lys; replaces glutamic acid 237 with lysine.
Molecular consequence: missense variant.
Genome position (GRCh38, 1-based): chr4:113,515,179, C>T on the plus strand (G>A on the coding strand, the complement: CAMK2D is on the minus strand). VCF-style: chr4-113515179-C-T. GRCh37 (hg19) VCF-style: chr4-114436335-C-T.
Other names: c.709G>A, p.Glu237Lys (NM_001221.4, NM_001321566.2, NM_001321567.2 and 33 more transcripts); c.121G>A, p.Glu41Lys (NM_001321578.2, NM_001321585.2, NM_001399865.1); c.592G>A, p.Glu198Lys (NM_001321581.2, NM_001399859.1, NM_001399860.1 and 2 more transcripts); c.322G>A, p.Glu108Lys (NM_001399863.1, NM_001399864.1); short protein forms E108K, E198K, E237K, E41K.
Identifiers: ClinVar variation 3907896 (VCV003907896.1).